The following is an entry in ClinVar:

NM_004304.5(ALK):c.3358C>T (p.Arg1120Trp)

Gene: ALK (ALK receptor tyrosine kinase; minus strand). Cytogenetic location: 2p23.2.
Variant type: single nucleotide variant.
Coding change: c.3358C>T on transcript NM_004304.5 (MANE Select); coding-DNA position 3358, C replaced by T.
Protein change: p.Arg1120Trp; replaces arginine 1120 with tryptophan.
Molecular consequence: missense variant.
Genome position (GRCh38, 1-based): chr2:29,223,343, G>A on the plus strand (C>T on the coding strand, the complement: ALK is on the minus strand). VCF-style: chr2-29223343-G-A. GRCh37 (hg19) VCF-style: chr2-29446209-G-A.
Other names: c.154C>T, p.Arg52Trp (NM_001353765.2); short protein forms R1120W, R52W.
Identifiers: ClinVar variation 485077 (VCV000485077.21), dbSNP rs774951734, ClinGen allele CA1594002.

ClinVar aggregate classification (germline): Uncertain significance. Review status: criteria provided, multiple submitters, no conflicts (2 of 4 stars). 5 submissions from 5 submitters: Uncertain significance (5). Last evaluated 2026-05-27.

Conditions:
Neuroblastoma, susceptibility to, 3. Also called: ALK-Related Neuroblastic Tumor Susceptibility. Identifiers: Orphanet 635, MedGen C2751681, MONDO:0013083, OMIM 613014.
Hereditary cancer-predisposing syndrome. Also called: Tumor predisposition; Hereditary Cancer Syndrome; Neoplastic Syndromes, Hereditary; Hereditary neoplastic syndrome. Identifiers: Orphanet 140162, MedGen C0027672, MeSH D009386, MONDO:0015356.

Allele frequency attached by ClinVar (database versions not stated): TOPMed 0.00001; gnomAD exomes 0.00002 and 0.00001; gnomAD 0.00001; ExAC 0.00002.
gnomAD v4.1: 24 of 1,613,928 alleles (0.0015%); highest among the groups gnomAD compares: African/African-American, 0.0027%; no homozygotes.

Submissions (5):

Women's Health and Genetics/Laboratory Corporation of America, LabCorp
Classification: Uncertain significance. Last evaluated: 2026-05-27. Review status: criteria provided, single submitter. Criteria: LabCorp Variant Classification Summary - May 2015. Collection method: clinical testing. Allele origin: germline.
Comment: Variant summary: ALK c.3358C>T (p.Arg1120Trp) results in a non-conservative amino acid change located in the Protein kinase domain (IPR000719) of the encoded protein sequence. Algorithms developed to predict the effect of missense changes on protein structure and function all suggest that this variant is likely to be disruptive. Consensus agreement among computation tools predict no significant impact on normal splicing. However, these predictions have yet to be confirmed by functional studies. The variant allele was found at a frequency of 1.6e-05 in 250742 control chromosomes. The available data on variant occurrences in the general population are insufficient to allow any conclusion about variant significance. To our knowledge, no occurrence of c.3358C>T in individuals affected with ALK-related conditions and no experimental evidence demonstrating its impact on protein function have been reported. ClinVar contains an entry for this variant (Variation ID: 485077). Based on the evidence outlined above, the variant was classified as uncertain significance.

Labcorp Genetics (formerly Invitae), Labcorp
Classification: Uncertain significance for Neuroblastoma, susceptibility to, 3. Last evaluated: 2026-01-16. Review status: criteria provided, single submitter. Criteria: Invitae Variant Classification Sherloc (09022015). Collection method: clinical testing. Allele origin: germline.
Comment: This sequence change replaces arginine, which is basic and polar, with tryptophan, which is neutral and slightly polar, at codon 1120 of the ALK protein (p.Arg1120Trp). This variant is present in population databases (rs774951734, gnomAD 0.006%). This variant has not been reported in the literature in individuals affected with ALK-related conditions. ClinVar contains an entry for this variant (Variation ID: 485077). An algorithm developed to predict the effect of missense changes on protein structure and function (PolyPhen-2) suggests that this variant is likely to be disruptive. In summary, the available evidence is currently insufficient to determine the role of this variant in disease. Therefore, it has been classified as a Variant of Uncertain Significance.

Ambry Genetics
Classification: Uncertain significance for Hereditary cancer-predisposing syndrome. Last evaluated: 2024-12-11. Review status: criteria provided, single submitter. Criteria: Ambry Variant Classification Scheme 2023. Collection method: clinical testing. Allele origin: germline.
Comment: The p.R1120W variant (also known as c.3358C>T), located in coding exon 20 of the ALK gene, results from a C to T substitution at nucleotide position 3358. The arginine at codon 1120 is replaced by tryptophan, an amino acid with dissimilar properties. This amino acid position is highly conserved in available vertebrate species. In addition, this alteration is predicted to be deleterious by in silico analysis. Based on the available evidence, the clinical significance of this variant remains unclear.

Baylor Genetics
Classification: Uncertain significance for Neuroblastoma, susceptibility to, 3. Last evaluated: 2023-08-26. Review status: criteria provided, single submitter. Criteria: ACMG Guidelines, 2015. Collection method: clinical testing. Allele origin: unknown.

GeneDx
Classification: Uncertain significance. Last evaluated: 2023-07-16. Review status: criteria provided, single submitter. Criteria: GeneDx Variant Classification Process June 2021. Collection method: clinical testing. Allele origin: germline. Affected: yes.
Comment: Not observed at significant frequency in large population cohorts (gnomAD); In silico analysis supports that this missense variant has a deleterious effect on protein structure/function; Has not been previously published as a pathogenic or benign germline variant to our knowledge; This variant is associated with the following publications: (PMID: 35437925, 28590426, 31712133)